The following is an entry in ClinVar:

ClinVar aggregate classification (germline): Conflicting classifications of pathogenicity. Review status: criteria provided, conflicting classifications (1 of 4 stars). 2 submissions from 2 submitters: Pathogenic (1); Uncertain significance (1). Last evaluated 2025-01-27.

Conditions:
Hereditary cancer-predisposing syndrome. Also called: Hereditary neoplastic syndrome; Tumor predisposition; Neoplastic Syndromes, Hereditary; Hereditary Cancer Syndrome. Identifiers: Orphanet 140162, MedGen C0027672, MeSH D009386, MONDO:0015356.

Submissions (2):

Ambry Genetics
Classification: Uncertain significance for Hereditary cancer-predisposing syndrome. Last evaluated: 2025-01-27. Review status: criteria provided, single submitter. Criteria: Ambry Variant Classification Scheme 2023. Collection method: clinical testing. Allele origin: germline.
Comment: The c.5621_5622delGT variant, located in coding exon 41 of the POLE gene, results from a deletion of two nucleotides at nucleotide positions 5621 to 5622, causing a translational frameshift with a predicted alternate stop codon (p.C1874Yfs*47). This alteration is expected to result in loss of function by premature protein truncation or nonsense-mediated mRNA decay. Loss-of-function variants subject to nonsense mediated decay (NMD) in POLE are known to cause POLE deficiency; however, such associations with POLE-related polymerase proofreading-associated polyposis (PPAP) have not been reported. Based on the supporting evidence, this alteration is pathogenic for POLE deficiency; however, the association of this alteration with POLE-related polymerase proofreading-associated polyposis (PPAP) is unknown.

Labcorp Genetics (formerly Invitae), Labcorp
Classification: Pathogenic. Last evaluated: 2022-07-17. Review status: criteria provided, single submitter. Criteria: Invitae Variant Classification Sherloc (09022015). Collection method: clinical testing. Allele origin: germline.
Comment: This sequence change creates a premature translational stop signal (p.Cys1874Tyrfs*47) in the POLE gene. It is expected to result in an absent or disrupted protein product. Loss-of-function variants in POLE are known to be pathogenic (PMID: 23230001, 25948378, 30503519). This variant is present in population databases (rs773148245, gnomAD 0.0009%). This premature translational stop signal has been observed in individual(s) with colorectal cancer (PMID: 23585368). ClinVar contains an entry for this variant (Variation ID: 953513). For these reasons, this variant has been classified as Pathogenic.

Literature cited by the submitters: PubMed 23585368 (cited by Ambry Genetics and Labcorp Genetics (formerly Invitae), Labcorp); PubMed 23230001 (cited by Labcorp Genetics (formerly Invitae), Labcorp); PubMed 25948378 (cited by Labcorp Genetics (formerly Invitae), Labcorp); PubMed 30503519 (cited by Labcorp Genetics (formerly Invitae), Labcorp).

NM_006231.4(POLE):c.5621_5622del (p.Cys1874fs)

Gene: POLE (DNA polymerase epsilon, catalytic subunit; minus strand). Cytogenetic location: 12q24.33.
Variant type: Deletion.
Coding change: c.5621_5622del on transcript NM_006231.4 (MANE Select); coding-DNA positions 5621 to 5622, 2 bases deleted (GT; older notation c.5621_5622delGT).
Protein change: p.Cys1874fs; shifts the reading frame from cysteine 1874.
Molecular consequence: frameshift variant.
Genome position (GRCh38, 1-based): chr12:132,638,070-132,638,071, AC deleted on the plus strand (GT on the coding strand, the reverse complement: POLE is on the minus strand); deleting any 2 consecutive bases within chr12:132,638,070-132,638,072 gives the same sequence; the c. name uses the placement nearest the transcript's 3' end. VCF-style (leftmost placement, unchanged base first): chr12-132638069-TAC-T. GRCh37 (hg19) VCF-style: chr12-133214655-TAC-T.
Other names: c.5621_5622delGT (NM_006231.2); short protein forms C1874fs.
Identifiers: ClinVar variation 953513 (VCV000953513.10), dbSNP rs773148245, ClinGen allele CA6892458.